The following is an entry in ClinVar:

ClinVar aggregate classification (germline): Benign (1 of 4 stars; one submission).

Conditions:
Stuve-Wiedemann syndrome (STWS). Also called: Stüve-Wiedemann syndrome. Identifiers: Orphanet 3206, MedGen C0796176, MONDO:0031280.

Allele frequency attached by ClinVar (database versions not stated): gnomAD 0.04142 and 0.04455; 1000 Genomes Project 0.04333; 1000 Genomes Project 30x 0.04513; TOPMed 0.04741.
gnomAD v4.1: 6,741 of 207,532 alleles (3.2%); highest among the groups gnomAD compares: African/African-American, 14%; 473 homozygotes.

Submission:

Illumina Laboratory Services, Illumina
Classification: Benign for Stüve-Wiedemann syndrome 1. Last evaluated: 2018-01-12. Review status: criteria provided, single submitter. Criteria: ICSL Variant Classification Criteria 13 December 2019. Collection method: clinical testing. Allele origin: germline.
Comment: This variant was observed in the ICSL laboratory as part of a predisposition screen in an ostensibly healthy population. It had not been previously curated by ICSL or reported in the Human Gene Mutation Database (HGMD: prior to June 1st, 2018), and was therefore a candidate for classification through an automated scoring system. Utilizing variant allele frequency, disease prevalence and penetrance estimates, and inheritance mode, an automated score was calculated to assess if this variant is too frequent to cause the disease. Based on the score and internal cut-off values, a variant classified as benign is not then subjected to further curation. The score for this variant resulted in a classification of benign for this disease.

NM_001127671.2(LIFR):c.*5356A>G

Gene: LIFR (LIF receptor subunit alpha; minus strand). Cytogenetic location: 5p13.1.
Variant type: single nucleotide variant.
Coding change: c.*5356A>G on transcript NM_001127671.2 (MANE Select); 5356 bases downstream of the stop codon, A replaced by G.
Molecular consequence: 3 prime UTR variant.
Genome position (GRCh38, 1-based): chr5:38,476,239, T>C on the plus strand (A>G on the coding strand, the complement: LIFR is on the minus strand). VCF-style: chr5-38476239-T-C. GRCh37 (hg19) VCF-style: chr5-38476341-T-C.
Other names: c.*5356A>G (NM_001364297.2, NM_001364298.2, NM_002310.6).
Identifiers: ClinVar variation 353535 (VCV000353535.5), dbSNP rs7713531, ClinGen allele CA10624752.